The following is an entry in ClinVar:

ClinVar aggregate classification (germline): Pathogenic (1 of 4 stars; one submission).

Conditions:
Tuberous sclerosis 2 (TSC2). Identifiers: Orphanet 805, MedGen C1860707, MONDO:0013199, OMIM 613254.

Submission:

Labcorp Genetics (formerly Invitae), Labcorp
Classification: Pathogenic for Tuberous sclerosis 2. Last evaluated: 2024-06-24. Review status: criteria provided, single submitter. Criteria: Invitae Variant Classification Sherloc (09022015). Collection method: clinical testing. Allele origin: germline.
Comment: This sequence change affects a donor splice site in intron 21 of the TSC2 gene. It is expected to disrupt RNA splicing. Variants that disrupt the donor or acceptor splice site typically lead to a loss of protein function (PMID: 16199547), and loss-of-function variants in TSC2 are known to be pathogenic (PMID: 10205261, 17304050). This variant is not present in population databases (gnomAD no frequency). Disruption of this splice site has been observed in individuals with tuberous sclerosis complex (PMID: 10205261, 18772611). Studies have shown that disruption of this splice site is associated with altered splicing resulting in multiple RNA products (Invitae). For these reasons, this variant has been classified as Pathogenic.

Literature cited by the submitters: PubMed 16199547; PubMed 10205261; PubMed 17304050; PubMed 18772611.

NM_000548.5(TSC2):c.2355+1G>T

Gene: TSC2 (TSC complex subunit 2; plus strand). Cytogenetic location: 16p13.3.
Variant type: single nucleotide variant.
Coding change: c.2355+1G>T on transcript NM_000548.5 (MANE Select); the canonical splice donor site of the intron after coding-DNA position 2355, G replaced by T.
Molecular consequence: splice donor variant.
Genome position (GRCh38, 1-based): chr16:2,072,984, G>T. VCF-style: chr16-2072984-G-T. GRCh37 (hg19) VCF-style: chr16-2122985-G-T.
Other names: c.1011+1G>T (NM_001406693.1, NM_001406689.1, NM_001406690.1 and 6 more transcripts); c.2445+1G>T (NM_001406667.1, NM_001406668.1); c.1755+1G>T (NM_001406680.1, NM_001406683.1, NM_001406687.1 and 6 more transcripts); c.753+1G>T (NM_001406698.1); c.2355+1G>T (NM_001114382.3, NM_001406663.1, NM_001406664.1 and 6 more transcripts); c.2343+1G>T (NM_001406671.1, NM_001406673.1); c.1893+1G>T (NM_001406681.1); c.2244+1G>T (NM_001406670.1, NM_001318827.2, NM_001406678.1); and 3 more.
Identifiers: ClinVar variation 3721958 (VCV003721958.2).
Genomic context (GRCh38, chr16:2,072,984, plus strand): 5'-GTGGTTCCAGTGCTGACAGCATTAATCTCTTACCATAACTACCTGGACAAAACCAAACAG[G>T]TAGGAGGTCAGAGCAGGACAGGCGAGCTTGATGGGGCCTGGGATTCGAGGGCCTGGCCCA-3'